The following is an entry in ClinVar:

ClinVar aggregate classification (germline): Uncertain significance (1 of 4 stars; one submission).

Submission:

Women's Health and Genetics/Laboratory Corporation of America, LabCorp
Classification: Uncertain significance. Last evaluated: 2024-08-15. Review status: criteria provided, single submitter. Criteria: LabCorp Variant Classification Summary - May 2015. Collection method: clinical testing. Allele origin: germline.
Comment: Variant summary: C3orf1 c.829delT (p.Ser277GlnfsX2) results in a premature termination codon, predicted to cause a truncation of the encoded protein, however nonsense mediated decay is not predicted. The variant allele was found at a frequency of 3.2e-05 in 31388 control chromosomes. The available data on variant occurrences in the general population are insufficient to allow any conclusion about variant significance. To our knowledge, no occurrence of c.829delT in individuals affected with Mitochondrial Complex 1 Deficiency, Nuclear Type 31 and no experimental evidence demonstrating its impact on protein function have been reported. No submitters have cited clinical-significance assessments for this variant to ClinVar. Based on the evidence outlined above, the variant was classified as uncertain significance.

NM_016589.4(TIMMDC1):c.829del (p.Ser277fs)

Gene: TIMMDC1 (translocase of inner mitochondrial membrane domain containing 1; plus strand). Cytogenetic location: 3q13.33.
Variant type: Deletion.
Coding change: c.829del on transcript NM_016589.4 (MANE Select); coding-DNA position 829, one base deleted (T; older notation c.829delT).
Protein change: p.Ser277fs; shifts the reading frame from serine 277.
Molecular consequence: frameshift variant.
Genome position (GRCh38, 1-based): chr3:119,523,727, T deleted; the last of 2 consecutive T bases (chr3:119,523,726-119,523,727); deleting either gives the same sequence. VCF-style (leftmost placement, unchanged base first): chr3-119523725-CT-C. GRCh37 (hg19) VCF-style: chr3-119242572-CT-C.
Other names: c.829delT (NM_016589.4); short protein forms S277fs.
Identifiers: ClinVar variation 3366783 (VCV003366783.1).